The following is an entry in ClinVar:

ClinVar aggregate classification (germline): Likely benign. Review status: criteria provided, multiple submitters, no conflicts (2 of 4 stars). 6 submissions from 6 submitters: Likely benign (6). Last evaluated 2025-11-01.

Allele frequency attached by ClinVar (database versions not stated): gnomAD exomes 0.00007 and 0.00011; ESP Exome Variant Server 0.00008; ExAC 0.00012; gnomAD 0.00014 and 0.00019; TOPMed 0.00020; 1000 Genomes Project 30x 0.00109; 1000 Genomes Project 0.00140.
gnomAD v4.1: 164 of 1,613,060 alleles (0.01%); highest among the groups gnomAD compares: Middle Eastern, 0.21%; 2 homozygotes.

Submissions (6):

CeGaT Center for Human Genetics Tuebingen
Classification: Likely benign. Last evaluated: 2025-11-01. Review status: criteria provided, single submitter. Criteria: CeGaT Center For Human Genetics Tuebingen Variant Classification Criteria Version 2. Collection method: clinical testing. Allele origin: germline. Affected: yes. Observed: 2 variant alleles.
Comment: NDUFAF3: BP4, BP7

Blueprint Genetics
Classification: Likely benign. Last evaluated: 2024-10-23. Review status: criteria provided, single submitter. Criteria: ACMG Guidelines, 2015. Collection method: clinical testing. Allele origin: germline.

Mayo Clinic Laboratories, Mayo Clinic
Classification: Likely benign. Last evaluated: 2024-09-27. Review status: criteria provided, single submitter. Criteria: ACMG Guidelines, 2015. Collection method: clinical testing. Allele origin: germline. Observed: 2 variant alleles.

Labcorp Genetics (formerly Invitae), Labcorp
Classification: Likely benign. Last evaluated: 2024-06-29. Review status: criteria provided, single submitter. Criteria: Invitae Variant Classification Sherloc (09022015). Collection method: clinical testing. Allele origin: germline.

GeneDx
Classification: Likely benign. Last evaluated: 2018-07-26. Review status: criteria provided, single submitter. Criteria: GeneDx Variant Classification Process June 2021. Collection method: clinical testing. Allele origin: germline. Affected: yes.

Breakthrough Genomics
Classification: Likely benign. Review status: criteria provided, single submitter. Criteria: ACMG Guidelines, 2015. Collection method: not provided. Allele origin: germline. Inheritance: Autosomal recessive inheritance. Affected: yes.

NM_199069.2(NDUFAF3):c.210A>C (p.Ile70=)

Genes: NDUFAF3 (NADH:ubiquinone oxidoreductase complex assembly factor 3; plus strand), LOC129936731 (ATAC-STARR-seq lymphoblastoid silent region 14351; plus strand). Cytogenetic location: 3p21.31.
Variant type: single nucleotide variant.
Coding change: c.210A>C on transcript NM_199069.2 (MANE Select); coding-DNA position 210, A replaced by C.
Protein change: p.Ile70=; no amino-acid change (isoleucine 70 retained).
Molecular consequence: synonymous variant.
Genome position (GRCh38, 1-based): chr3:49,022,478, A>C. VCF-style: chr3-49022478-A-C. GRCh37 (hg19) VCF-style: chr3-49059911-A-C.
Other names: p.Ile70=; c.39A>C, p.Ile13= (NM_199070.2, NM_199073.2, NM_199074.2).
Identifiers: ClinVar variation 384581 (VCV000384581.38), dbSNP rs142033692, ClinGen allele CA2390213.